The following is an entry in ClinVar:

NM_020461.4(TUBGCP6):c.1314dup (p.Tyr439fs)

Gene: TUBGCP6 (tubulin gamma complex component 6; minus strand). Cytogenetic location: 22q13.33.
Variant type: Duplication.
Coding change: c.1314dup on transcript NM_020461.4 (MANE Select); coding-DNA position 1314, one base duplicated (G; older notation c.1314dupG).
Protein change: p.Tyr439fs; shifts the reading frame from tyrosine 439.
Molecular consequence: frameshift variant.
Genome position (GRCh38, 1-based): chr22:50,228,005, C duplicated on the plus strand (G on the coding strand, the reverse complement: TUBGCP6 is on the minus strand); the first of 2 consecutive C bases (chr22:50,228,005-50,228,006); duplicating either gives the same sequence. VCF-style (leftmost placement, unchanged base first): chr22-50228004-A-AC. GRCh37 (hg19) VCF-style: chr22-50666433-A-AC.
Other names: short protein forms Y439fs.
Identifiers: ClinVar variation 1374572 (VCV001374572.6), dbSNP rs1427049971, ClinGen allele CA640028676.

ClinVar aggregate classification (germline): Pathogenic (1 of 4 stars; one submission).

Submission:

Labcorp Genetics (formerly Invitae), Labcorp
Classification: Pathogenic. Last evaluated: 2021-09-28. Review status: criteria provided, single submitter. Criteria: Invitae Variant Classification Sherloc (09022015). Collection method: clinical testing. Allele origin: germline.
Comment: For these reasons, this variant has been classified as Pathogenic. Algorithms developed to predict the effect of sequence changes on RNA splicing suggest that this variant may create or strengthen a splice site. This variant has not been reported in the literature in individuals affected with TUBGCP6-related conditions. This variant is not present in population databases (ExAC no frequency). This sequence change creates a premature translational stop signal (p.Tyr439Valfs*128) in the TUBGCP6 gene. It is expected to result in an absent or disrupted protein product. Loss-of-function variants in TUBGCP6 are known to be pathogenic (PMID: 25344692).

Literature cited by the submitters: PubMed 25344692.